The following is an entry in ClinVar:

NM_000350.3(ABCA4):c.4638A>C (p.Leu1546Phe)

Gene: ABCA4 (ATP binding cassette subfamily A member 4; minus strand). Cytogenetic location: 1p22.1.
Variant type: single nucleotide variant.
Coding change: c.4638A>C on transcript NM_000350.3 (MANE Select); coding-DNA position 4638, A replaced by C.
Protein change: p.Leu1546Phe; replaces leucine 1546 with phenylalanine.
Molecular consequence: missense variant.
Genome position (GRCh38, 1-based): chr1:94,023,415, T>G on the plus strand (A>C on the coding strand, the complement: ABCA4 is on the minus strand). VCF-style: chr1-94023415-T-G. GRCh37 (hg19) VCF-style: chr1-94488971-T-G.
Other names: c.4416A>C, p.Leu1472Phe (NM_001425324.1); short protein forms L1546F, L1472F.
Identifiers: ClinVar variation 2119112 (VCV002119112.4), dbSNP rs1659954209, ClinGen allele CA341284270.

ClinVar aggregate classification (germline): Uncertain significance (1 of 4 stars; one submission).

Submission:

Labcorp Genetics (formerly Invitae), Labcorp
Classification: Uncertain significance. Last evaluated: 2024-10-24. Review status: criteria provided, single submitter. Criteria: Invitae Variant Classification Sherloc (09022015). Collection method: clinical testing. Allele origin: germline.
Comment: This sequence change replaces leucine, which is neutral and non-polar, with phenylalanine, which is neutral and non-polar, at codon 1546 of the ABCA4 protein (p.Leu1546Phe). This variant is not present in population databases (gnomAD no frequency). This variant has not been reported in the literature in individuals affected with ABCA4-related conditions. ClinVar contains an entry for this variant (Variation ID: 2119112). Invitae Evidence Modeling of protein sequence and biophysical properties (such as structural, functional, and spatial information, amino acid conservation, physicochemical variation, residue mobility, and thermodynamic stability) has been performed for this missense variant. However, the output from this modeling did not meet the statistical confidence thresholds required to predict the impact of this variant on ABCA4 protein function. In summary, the available evidence is currently insufficient to determine the role of this variant in disease. Therefore, it has been classified as a Variant of Uncertain Significance.